The following is an entry in ClinVar:

ClinVar aggregate classification (germline): Benign (1 of 4 stars; one submission).

Allele frequency attached by ClinVar (database versions not stated): 1000 Genomes Project 0.09505; 1000 Genomes Project 30x 0.09713; ESP Exome Variant Server 0.18045; gnomAD 0.18317.
gnomAD v4.1: 360,102 of 1,458,730 alleles (25%); highest among the groups gnomAD compares: Non-Finnish European, 29%; 49,515 homozygotes.

Submission:

Unidad de Genómica Garrahan, Hospital de Pediatría Garrahan
Classification: Benign. Last evaluated: 2024-01-24. Review status: criteria provided, single submitter. Criteria: ACMG Guidelines, 2015. Collection method: clinical testing. Allele origin: germline. Affected: no. Observed: 30 variant alleles.
Comment: This variant is classified as Benign based on local population frequency. This variant was detected in 32% of patients studied by a panel of primary immunodeficiencies. Number of patients: 30. Only high quality variants are reported.

NM_003809.3(TNFSF12):c.160-39G>A

Genes: TNFSF12 (TNF superfamily member 12; plus strand), TNFSF12-TNFSF13 (TNFSF12-TNFSF13 readthrough; plus strand). Cytogenetic location: 17p13.1.
Variant type: single nucleotide variant.
Coding change: c.160-39G>A on transcript NM_003809.3 (MANE Select); 39 bases into the intron before coding-DNA position 160, G replaced by A.
Molecular consequence: intron variant.
Genome position (GRCh38, 1-based): chr17:7,549,435, G>A. VCF-style: chr17-7549435-G-A. GRCh37 (hg19) VCF-style: chr17-7452752-G-A.
Other names: c.160-39G>A (NM_172089.4).
Identifiers: ClinVar variation 2688230 (VCV002688230.2), dbSNP rs80067372, ClinGen allele CA8350699.
Genomic context (GRCh38, chr17:7,549,435, plus strand): 5'-TGGGGGCCGCGTGGGCTGAAGGCAAGGGGAAGGGAGGATGGGTGGAGGGTGAGATGTCAG[G>A]TGGAGCGGCACAGGGTGACGCTCCCTCCTTCCCAGCAGGAGCCTGCCCAGGAGGAGCTGG-3'